The following is an entry in ClinVar:

ClinVar aggregate classification (germline): Uncertain significance. Review status: criteria provided, multiple submitters, no conflicts (2 of 4 stars). 3 submissions from 3 submitters: Uncertain significance (3). Last evaluated 2024-03-06.

Conditions:
Cardiovascular phenotype. Identifiers: MedGen CN230736.
Cardiomyopathy (CMYO). Also called: Cardiomyopathies. Identifiers: Orphanet 167848, MedGen C0878544, MONDO:0004994, HP:0001638. Inheritance: Various modes of inheritance.
Arrhythmogenic cardiomyopathy with wooly hair and keratoderma. Also called: Dilated cardiomyopathy with woolly hair and keratoderma; PALMOPLANTAR KERATODERMA WITH LEFT VENTRICULAR CARDIOMYOPATHY AND WOOLLY HAIR; Carvajal syndrome; Arrhythmogenic cardiomyopathy with woolly hair and keratoderma. Identifiers: Orphanet 65282, MedGen C1854063, MONDO:0011581, OMIM 605676.
Arrhythmogenic right ventricular dysplasia 8 (ARVD8). Also called: Arrhythmogenic Right Ventricular Dysplasia/Cardiomyopathy 8; ARRHYTHMOGENIC RIGHT VENTRICULAR DYSPLASIA, FAMILIAL, 8; ARRHYTHMOGENIC RIGHT VENTRICULAR CARDIOMYOPATHY 8. Identifiers: MedGen C1843896, MONDO:0011831, OMIM 607450.

Allele frequency attached by ClinVar (database versions not stated): gnomAD exomes below 0.00001.
gnomAD v4.1: 1 of 1,614,134 alleles (0.000062%); highest among the groups gnomAD compares: Non-Finnish European, 0.000085%; no homozygotes.

Submissions (3):

Color Diagnostics, LLC DBA Color Health
Classification: Uncertain significance for Cardiomyopathy. Last evaluated: 2024-03-06. Review status: criteria provided, single submitter. Criteria: ACMG Guidelines, 2015. Collection method: clinical testing. Allele origin: germline.
Comment: This missense variant replaces threonine with alanine at codon 2196 of the DSP protein. Computational prediction suggests that this variant may not impact protein structure and function (internally defined REVEL score threshold <= 0.5, PMID: 27666373). To our knowledge, functional studies have not been reported for this variant. This variant has not been reported in individuals affected with cardiovascular disorders in the literature. This variant has not been identified in the general population by the Genome Aggregation Database (gnomAD). The available evidence is insufficient to determine the role of this variant in disease conclusively. Therefore, this variant is classified as a Variant of Uncertain Significance.

Ambry Genetics
Classification: Uncertain significance for Cardiovascular phenotype. Last evaluated: 2022-11-17. Review status: criteria provided, single submitter. Criteria: Ambry Variant Classification Scheme 2023. Collection method: clinical testing. Allele origin: germline.
Comment: The p.T2196A variant (also known as c.6586A>G), located in coding exon 24 of the DSP gene, results from an A to G substitution at nucleotide position 6586. The threonine at codon 2196 is replaced by alanine, an amino acid with similar properties. This amino acid position is conserved. In addition, this alteration is predicted to be tolerated by in silico analysis. Since supporting evidence is limited at this time, the clinical significance of this alteration remains unclear.

Labcorp Genetics (formerly Invitae), Labcorp
Classification: Uncertain significance for Arrhythmogenic cardiomyopathy with wooly hair and keratoderma; Arrhythmogenic right ventricular dysplasia 8. Last evaluated: 2021-01-24. Review status: criteria provided, single submitter. Criteria: Invitae Variant Classification Sherloc (09022015). Collection method: clinical testing. Allele origin: germline.
Comment: This sequence change replaces threonine with alanine at codon 2196 of the DSP protein (p.Thr2196Ala). The threonine residue is highly conserved and there is a small physicochemical difference between threonine and alanine. This variant is not present in population databases (ExAC no frequency). This variant has not been reported in the literature in individuals with DSP-related conditions. Algorithms developed to predict the effect of missense changes on protein structure and function are either unavailable or do not agree on the potential impact of this missense change (SIFT: "Deleterious"; PolyPhen-2: "Probably Damaging"; Align-GVGD: "Class C0"). In summary, the available evidence is currently insufficient to determine the role of this variant in disease. Therefore, it has been classified as a Variant of Uncertain Significance.

NM_004415.4(DSP):c.6586A>G (p.Thr2196Ala)

Gene: DSP (desmoplakin; plus strand). Cytogenetic location: 6p24.3.
Variant type: single nucleotide variant.
Coding change: c.6586A>G on transcript NM_004415.4 (MANE Select); coding-DNA position 6586, A replaced by G.
Protein change: p.Thr2196Ala; replaces threonine 2196 with alanine.
Molecular consequence: missense variant.
Genome position (GRCh38, 1-based): chr6:7,583,848, A>G. VCF-style: chr6-7583848-A-G. GRCh37 (hg19) VCF-style: chr6-7584081-A-G.
Other names: c.4789A>G, p.Thr1597Ala (NM_001008844.3); c.5257A>G, p.Thr1753Ala (NM_001319034.2); short protein forms T1597A, T1753A, T2196A.
Identifiers: ClinVar variation 1171309 (VCV001171309.12), dbSNP rs2113700741, ClinGen allele CA362691114.